The following is an entry in ClinVar:

NC_000002.11:g.(?_203383525)_(203384944_?)del

Gene: BMPR2 (bone morphogenetic protein receptor type 2; plus strand). Cytogenetic location: 2q33.2.
Variant type: Deletion.
Identifiers: ClinVar variation 3247139 (VCV003247139.1).

ClinVar aggregate classification (germline): Pathogenic (1 of 4 stars; one submission).

Conditions:
Primary pulmonary hypertension. Also called: Idiopathic pulmonary hypertension. Identifiers: MedGen C0152171.

Submission:

Labcorp Genetics (formerly Invitae), Labcorp
Classification: Pathogenic for Primary pulmonary hypertension. Last evaluated: 2023-12-20. Review status: criteria provided, single submitter. Criteria: Invitae Variant Classification Sherloc (09022015). Collection method: clinical testing. Allele origin: unknown.
Comment: This variant is a gross deletion of the genomic region encompassing exon(s) 6-7 of the BMPR2 gene. This deletion is out-of-frame, and is expected to create a premature termination codon and result in an absent or disrupted protein product. Loss-of-function variants in BMPR2 are known to be pathogenic (PMID: 16429395). A similar copy number variant has been observed in individual(s) with pulmonary hypertension (PMID: 24853021, 29743074). For these reasons, this variant has been classified as Pathogenic.

Literature cited by the submitters: PubMed 16429395; PubMed 24853021; PubMed 29743074.